The following is an entry in ClinVar:

ClinVar aggregate classification (germline): Uncertain significance (1 of 4 stars; one submission).

Allele frequency attached by ClinVar (database versions not stated): ExAC 0.00002; TOPMed 0.00001.

Submission:

Labcorp Genetics (formerly Invitae), Labcorp
Classification: Uncertain significance. Last evaluated: 2024-03-11. Review status: criteria provided, single submitter. Criteria: Invitae Variant Classification Sherloc (09022015). Collection method: clinical testing. Allele origin: germline.
Comment: This sequence change replaces histidine, which is basic and polar, with glutamine, which is neutral and polar, at codon 414 of the PLEKHG2 protein (p.His414Gln). This variant is present in population databases (rs754436702, gnomAD 0.01%). This variant has not been reported in the literature in individuals affected with PLEKHG2-related conditions. ClinVar contains an entry for this variant (Variation ID: 2076319). An algorithm developed to predict the effect of missense changes on protein structure and function (PolyPhen-2) suggests that this variant is likely to be disruptive. In summary, the available evidence is currently insufficient to determine the role of this variant in disease. Therefore, it has been classified as a Variant of Uncertain Significance.

NM_022835.3(PLEKHG2):c.1242C>G (p.His414Gln)

Gene: PLEKHG2 (pleckstrin homology and RhoGEF domain containing G2; plus strand). Cytogenetic location: 19q13.2.
Variant type: single nucleotide variant.
Coding change: c.1242C>G on transcript NM_022835.3 (MANE Select); coding-DNA position 1242, C replaced by G.
Protein change: p.His414Gln; replaces histidine 414 with glutamine.
Molecular consequence: missense variant.
Genome position (GRCh38, 1-based): chr19:39,418,982, C>G. VCF-style: chr19-39418982-C-G. GRCh37 (hg19) VCF-style: chr19-39909622-C-G.
Other names: c.1065C>G, p.His355Gln (NM_001351693.2); c.1242C>G, p.His414Gln (NM_001351694.2); short protein forms H355Q, H414Q.
Identifiers: ClinVar variation 2076319 (VCV002076319.3), dbSNP rs754436702, ClinGen allele CA9429404.